The following is an entry in ClinVar:

ClinVar aggregate classification (germline): Pathogenic (1 of 4 stars; one submission).

Conditions:
Osteogenesis imperfecta type I (OI1). Also called: OI, TYPE I; OSTEOGENESIS IMPERFECTA TARDA; OSTEOGENESIS IMPERFECTA WITH BLUE SCLERAE; Osteogenesis imperfecta type 1; Lobstein's Disease; Lobstein disease. Identifiers: Orphanet 216796, Orphanet 666, MedGen C0023931, MONDO:0008146, OMIM 166200. Disease mechanism: loss of function.

Submission:

Laboratory of Genetic Skeletal Anomaly, Seoul National University Children's Hospital
Classification: Pathogenic for Osteogenesis imperfecta type I. Last evaluated: 2025-03-01. Review status: criteria provided, single submitter. Criteria: ACMG Guidelines, 2015. Collection method: research. Allele origin: germline. Affected: yes.
Comment: This variant is a novel variant not previously reported in the literature or population databases. It was classified based on available in silico predictions and absence from gnomAD.

NM_000088.4(COL1A1):c.3423+1G>C

Gene: COL1A1 (collagen type I alpha 1 chain; minus strand). Cytogenetic location: 17q21.33.
Variant type: single nucleotide variant.
Coding change: c.3423+1G>C on transcript NM_000088.4 (MANE Select); the canonical splice donor site of the intron after coding-DNA position 3423, G replaced by C.
Molecular consequence: splice donor variant.
Genome position (GRCh38, 1-based): chr17:50,187,483, C>G on the plus strand (G>C on the coding strand, the complement: COL1A1 is on the minus strand). VCF-style: chr17-50187483-C-G. GRCh37 (hg19) VCF-style: chr17-48264844-C-G.
Identifiers: ClinVar variation 4280704 (VCV004280704.1).